The following is an entry in ClinVar:

NM_003579.4(RAD54L):c.542T>C (p.Met181Thr)

Gene: RAD54L (RAD54 like; plus strand). Cytogenetic location: 1p34.1.
Variant type: single nucleotide variant.
Coding change: c.542T>C on transcript NM_003579.4 (MANE Select); coding-DNA position 542, T replaced by C.
Protein change: p.Met181Thr; replaces methionine 181 with threonine.
Molecular consequence: missense variant. On other transcripts: initiator codon variant (1).
Genome position (GRCh38, 1-based): chr1:46,260,791, T>C. VCF-style: chr1-46260791-T-C. GRCh37 (hg19) VCF-style: chr1-46726463-T-C.
Other names: c.542T>C, p.Met181Thr (NM_001142548.2); c.2T>C, p.Met1Thr (NM_001370766.1); short protein forms M181T, M1T.
Identifiers: ClinVar variation 3223451 (VCV003223451.1), dbSNP rs751314678, ClinGen allele CA834294.

ClinVar aggregate classification (germline): Uncertain significance (1 of 4 stars; one submission).

Allele frequency attached by ClinVar (database versions not stated): ExAC 0.00002.

Submission:

Ambry Genetics
Classification: Uncertain significance. Last evaluated: 2024-02-29. Review status: criteria provided, single submitter. Criteria: Ambry Variant Classification Scheme 2023. Collection method: clinical testing. Allele origin: germline.
Comment: The p.M181T variant (also known as c.542T>C), located in coding exon 7 of the RAD54L gene, results from a T to C substitution at nucleotide position 542. The methionine at codon 181 is replaced by threonine, an amino acid with similar properties. This amino acid position is conserved. In addition, this alteration is predicted to be deleterious by in silico analysis. Based on the available evidence, the clinical significance of this alteration remains unclear.